The following is an entry in ClinVar:

NM_001943.5(DSG2):c.2271G>A (p.Met757Ile)

Genes: DSG2 (desmoglein 2; plus strand), DSG2-AS1 (DSG2 antisense RNA 1; minus strand). Cytogenetic location: 18q12.1.
Variant type: single nucleotide variant.
Coding change: c.2271G>A on transcript NM_001943.5 (MANE Select); coding-DNA position 2271, G replaced by A.
Protein change: p.Met757Ile; replaces methionine 757 with isoleucine.
Molecular consequence: missense variant.
Genome position (GRCh38, 1-based): chr18:31,542,789, G>A. VCF-style: chr18-31542789-G-A. GRCh37 (hg19) VCF-style: chr18-29122752-G-A.
Other names: c.2271G>A (NM_001943.3); short protein forms M757I.
Identifiers: ClinVar variation 921938 (VCV000921938.8), dbSNP rs2073277708, ClinGen allele CA402142899.
Genomic context (GRCh38, chr18:31,542,789, plus strand): 5'-CGCTATCATGACCACTGAAACCACGAAGACCGCAAGGGCCACAGGGGCTTCCAGAGACAT[G>A]GCCGGAGCTCAGGCAGCTGCTGTTGCACTGAACGAAGAATTCTTAAGAAATTATTTCACT-3'
Protein context (NP_001934.2, residues 747-767): TARATGASRD[Met757Ile]AGAQAAAVAL

ClinVar aggregate classification (germline): Uncertain significance. Review status: criteria provided, multiple submitters, no conflicts (2 of 4 stars). 3 submissions from 3 submitters: Uncertain significance (3). Last evaluated 2024-03-06.

Conditions:
Cardiovascular phenotype. Identifiers: MedGen CN230736.
Cardiomyopathy (CMYO). Also called: Cardiomyopathies. Identifiers: Orphanet 167848, MedGen C0878544, MONDO:0004994, HP:0001638. Inheritance: Various modes of inheritance.
Arrhythmogenic right ventricular cardiomyopathy (ARVD). Also called: Arrhythmogenic cardiomyopathy; Cardiomyopathy, ARVC; Arrhythmogenic right ventricular dysplasia; Arrhythmogenic Right Ventricular Cardiomyopathy (ARVC). Identifiers: Orphanet 247, MedGen C0349788, MeSH D019571, MONDO:0016587. Disease mechanism: loss of function. Inheritance: Various modes of inheritance.

Allele frequency attached by ClinVar (database versions not stated): gnomAD exomes below 0.00001.
gnomAD v4.1: 1 of 1,606,054 alleles (0.000062%); highest among the groups gnomAD compares: South Asian, 0.0011%; no homozygotes.

Submissions (3):

Color Diagnostics, LLC DBA Color Health
Classification: Uncertain significance for Cardiomyopathy. Last evaluated: 2024-03-06. Review status: criteria provided, single submitter. Criteria: ACMG Guidelines, 2015. Collection method: clinical testing. Allele origin: germline.
Comment: This missense variant replaces methionine with isoleucine at codon 757 of the DSG2 protein. Computational prediction suggests that this variant may not impact protein structure and function (internally defined REVEL score threshold <= 0.5, PMID: 27666373). To our knowledge, functional studies have not been reported for this variant. This variant has not been reported in individuals affected with cardiovascular disorders in the literature. This variant has not been identified in the general population by the Genome Aggregation Database (gnomAD). The available evidence is insufficient to determine the role of this variant in disease conclusively. Therefore, this variant is classified as a Variant of Uncertain Significance.

Ambry Genetics
Classification: Uncertain significance for Cardiovascular phenotype. Last evaluated: 2023-01-16. Review status: criteria provided, single submitter. Criteria: Ambry Variant Classification Scheme 2023. Collection method: clinical testing. Allele origin: germline.
Comment: The p.M757I variant (also known as c.2271G>A), located in coding exon 14 of the DSG2 gene, results from a G to A substitution at nucleotide position 2271. The methionine at codon 757 is replaced by isoleucine, an amino acid with highly similar properties. This amino acid position is conserved. In addition, this alteration is predicted to be tolerated by in silico analysis. Since supporting evidence is limited at this time, the clinical significance of this alteration remains unclear.

Department of Pathology and Laboratory Medicine, Sinai Health System
Classification: Uncertain significance for arrhythmogenic right ventricular cardiomyopathy. Last evaluated: 2021-07-30. Review status: criteria provided, single submitter. Criteria: ACMG Guidelines, 2015. Collection method: research. Allele origin: germline.